The following is an entry in ClinVar:

ClinVar aggregate classification (germline): Uncertain significance (1 of 4 stars; one submission).

Conditions:
Beckwith-Wiedemann syndrome (BWS). Also called: EMG SYNDROME; Exomphalos macroglossia gigantism syndrome. Identifiers: Orphanet 116, MedGen C0004903, MONDO:0007534, OMIM 130650.

Allele frequency attached by ClinVar (database versions not stated): gnomAD exomes below 0.00001.
gnomAD v4.1: 1 of 1,542,068 alleles (0.000065%); highest among the groups gnomAD compares: Non-Finnish European, 0.000087%; no homozygotes.

Submission:

Labcorp Genetics (formerly Invitae), Labcorp
Classification: Uncertain significance for Beckwith-Wiedemann syndrome. Last evaluated: 2020-02-02. Review status: criteria provided, single submitter. Criteria: Invitae Variant Classification Sherloc (09022015). Collection method: clinical testing. Allele origin: germline.
Comment: In summary, the available evidence is currently insufficient to determine the role of this variant in disease. Therefore, it has been classified as a Variant of Uncertain Significance. Algorithms developed to predict the effect of missense changes on protein structure and function are either unavailable or do not agree on the potential impact of this missense change (SIFT: "Tolerated"; PolyPhen-2: "Probably Damaging"; Align-GVGD: "Class C0"). This variant has not been reported in the literature in individuals with CDKN1C-related conditions. The frequency data for this variant in the population databases is considered unreliable, as metrics indicate insufficient coverage at this position in the ExAC database. This sequence change replaces valine with methionine at codon 97 of the CDKN1C protein (p.Val97Met). The valine residue is moderately conserved and there is a small physicochemical difference between valine and methionine.

NM_001122630.2(CDKN1C):c.256G>A (p.Val86Met)

Gene: CDKN1C (cyclin dependent kinase inhibitor 1C; minus strand). Cytogenetic location: 11p15.4.
Variant type: single nucleotide variant.
Coding change: c.256G>A on transcript NM_001122630.2 (MANE Select); coding-DNA position 256, G replaced by A.
Protein change: p.Val86Met; replaces valine 86 with methionine.
Molecular consequence: missense variant. On other transcripts: splice donor variant (1).
Genome position (GRCh38, 1-based): chr11:2,885,201, C>T on the plus strand (G>A on the coding strand, the complement: CDKN1C is on the minus strand). VCF-style: chr11-2885201-C-T. GRCh37 (hg19) VCF-style: chr11-2906431-C-T.
Other names: c.289G>A, p.Val97Met (NM_000076.2, NM_001362474.2); c.256G>A, p.Val86Met (NM_001122631.2); c.255+1G>A (NM_001362475.2); short protein forms V86M, V97M.
Identifiers: ClinVar variation 1025760 (VCV001025760.10), dbSNP rs1848968869, ClinGen allele CA379147065.
Genomic context (GRCh38, chr11:2,885,201, plus strand): 5'-GGCTGACAGCCACCGCGACCGCGACGGGCCGCGGCGCCAGCAGCAGGCGGCAGCGCCCCA[C>T]CTGCACCGTCTCGCGGTAGAACGCGGGCACCGAGTCGCTGTCCACTTCGGTCCACTGCAG-3'
Protein context (NP_001116102.1, residues 76-96): VPAFYRETVQ[Val86Met]GRCRLLLAPR